The following is an entry in ClinVar:

NM_032387.5(WNK4):c.246C>A (p.Asp82Glu)

Gene: WNK4 (WNK lysine deficient protein kinase 4; plus strand). Cytogenetic location: 17q21.2.
Variant type: single nucleotide variant.
Coding change: c.246C>A on transcript NM_032387.5 (MANE Select); coding-DNA position 246, C replaced by A.
Protein change: p.Asp82Glu; replaces aspartic acid 82 with glutamic acid.
Molecular consequence: missense variant. On other transcripts: 5 prime UTR variant (1).
Genome position (GRCh38, 1-based): chr17:42,780,944, C>A. VCF-style: chr17-42780944-C-A. GRCh37 (hg19) VCF-style: chr17-40932962-C-A.
Other names: c.-674C>A (NM_001321299.2); short protein forms D82E.
Identifiers: ClinVar variation 889959 (VCV000889959.5), dbSNP rs373427674, ClinGen allele CA8583651.

ClinVar aggregate classification (germline): Conflicting classifications of pathogenicity. Review status: criteria provided, conflicting classifications (1 of 4 stars). 2 submissions from 2 submitters: Uncertain significance (1); Likely benign (1). Last evaluated 2024-05-23.

Conditions:
Pseudohypoaldosteronism type 2B (PHA2B). Also called: Pseudohypoaldosteronism Type IIB. Identifiers: Orphanet 757, Orphanet 88939, MedGen C1840390, MONDO:0013777, OMIM 614491.

Allele frequency attached by ClinVar (database versions not stated): TOPMed 0.00001; gnomAD 0.00002; gnomAD exomes 0.00003; ExAC 0.00006; ESP Exome Variant Server 0.00008.
gnomAD v4.1: 48 of 1,608,978 alleles (0.003%); highest among the groups gnomAD compares: Non-Finnish European, 0.004%; no homozygotes.

Submissions (2):

Fulgent Genetics
Classification: Uncertain significance for Pseudohypoaldosteronism type 2B. Last evaluated: 2024-05-23. Review status: criteria provided, single submitter. Criteria: ACMG Guidelines, 2015. Collection method: clinical testing. Allele origin: germline.

Illumina Laboratory Services, Illumina
Classification: Likely benign for Pseudohypoaldosteronism type 2B. Last evaluated: 2018-01-12. Review status: criteria provided, single submitter. Criteria: ICSL Variant Classification Criteria 13 December 2019. Collection method: clinical testing. Allele origin: germline.
Comment: This variant was observed in the ICSL laboratory as part of a predisposition screen in an ostensibly healthy population. It had not been previously curated by ICSL or reported in the Human Gene Mutation Database (HGMD: prior to June 1st, 2018), and was therefore a candidate for classification through an automated scoring system. Utilizing variant allele frequency, disease prevalence and penetrance estimates, and inheritance mode, an automated score was calculated to assess if this variant is too frequent to cause the disease. Based on the score and internal cut-off values, a variant classified as likely benign is not then subjected to further curation. The score for this variant resulted in a classification of likely benign for this disease.